The following is an entry in ClinVar:

NM_000179.3(MSH6):c.215_258del (p.Leu72fs)

Genes: MSH6 (mutS homolog 6; plus strand), LOC129933707 (ATAC-STARR-seq lymphoblastoid silent region 11468; plus strand). Cytogenetic location: 2p16.3.
Variant type: Deletion.
Coding change: c.215_258del on transcript NM_000179.3 (MANE Select); coding-DNA positions 215 to 258, 44 bases deleted.
Protein change: p.Leu72fs; shifts the reading frame from leucine 72.
Molecular consequence: frameshift variant. On other transcripts: 5 prime UTR variant (1), splice donor variant (1).
Genome position (GRCh38, 1-based): chr2:47,783,448-47,783,491, 44 bases deleted; deleting any 44 consecutive bases within chr2:47,783,445-47,783,491 gives the same sequence; the c. name uses the placement nearest the transcript's 3' end. GRCh37 (hg19): chr2:48,010,587-48,010,630.
Other names: c.-522_-479del (NM_001281493.2); c.215_237+21del (NM_001281492.2); c.215_258del44 (NM_000179.2); short protein forms L72fs.
Identifiers: ClinVar variation 548795 (VCV000548795.3), dbSNP rs1553408380, ClinGen allele CA658823251.

ClinVar aggregate classification (germline): Pathogenic. Review status: criteria provided, single submitter (1 of 4 stars). 2 submissions from 2 submitters: Pathogenic (1). 1 of the submissions does not count toward it. Last evaluated 2023-07-28.

Conditions:
Lynch syndrome 5 (LYNCH5). Also called: Colorectal cancer, hereditary nonpolyposis, type 5; Hereditary non-polyposis colorectal cancer, type 5. Identifiers: Orphanet 144, MedGen C1833477, MONDO:0013710, OMIM 614350. Disease mechanism: loss of function.

Submissions (2):

Myriad Genetics, Inc.
Classification: Pathogenic for Lynch syndrome 5. Last evaluated: 2023-07-28. Review status: criteria provided, single submitter. Criteria: Myriad Autosomal Dominant, Autosomal Recessive and X-Linked Classification Criteria (2023). Collection method: clinical testing. Allele origin: unknown.
Comment: This variant is considered pathogenic. This variant creates a frameshift predicted to result in premature protein truncation.

Counsyl
Classification: Likely pathogenic for Lynch syndrome 5. Last evaluated: 2017-09-20. Review status: no assertion criteria provided. Collection method: clinical testing. Allele origin: unknown. Not counted in ClinVar's aggregate classification.